The following is an entry in ClinVar:

ClinVar aggregate classification (germline): Pathogenic (1 of 4 stars; one submission).

Conditions:
Hereditary cancer-predisposing syndrome. Also called: Tumor predisposition; Hereditary neoplastic syndrome; Neoplastic Syndromes, Hereditary; Hereditary Cancer Syndrome. Identifiers: Orphanet 140162, MedGen C0027672, MeSH D009386, MONDO:0015356.

Submission:

Ambry Genetics
Classification: Pathogenic for Hereditary cancer-predisposing syndrome. Last evaluated: 2025-03-18. Review status: criteria provided, single submitter. Criteria: Ambry Variant Classification Scheme 2023. Collection method: clinical testing. Allele origin: germline.
Comment: The p.L275* pathogenic mutation (also known as c.824T>G), located in coding exon 4 of the BARD1 gene, results from a T to G substitution at nucleotide position 824. This changes the amino acid from a leucine to a stop codon within coding exon 4. This variant is considered to be rare based on population cohorts in the Genome Aggregation Database (gnomAD). This alteration is expected to result in loss of function by premature protein truncation or nonsense-mediated mRNA decay. As such, this alteration is interpreted as a disease-causing mutation.

NM_000465.4(BARD1):c.824T>G (p.Leu275Ter)

Gene: BARD1 (BRCA1 associated RING domain 1; minus strand). Cytogenetic location: 2q35.
Variant type: single nucleotide variant.
Coding change: c.824T>G on transcript NM_000465.4 (MANE Select); coding-DNA position 824, T replaced by G.
Protein change: p.Leu275Ter; replaces leucine 275 with a stop codon.
Molecular consequence: nonsense. On other transcripts: non-coding transcript variant (2), intron variant (3).
Genome position (GRCh38, 1-based): chr2:214,781,050, A>C on the plus strand (T>G on the coding strand, the complement: BARD1 is on the minus strand). VCF-style: chr2-214781050-A-C. GRCh37 (hg19) VCF-style: chr2-215645774-A-C.
Other names: c.767T>G, p.Leu256Ter (NM_001282543.2); c.158+28362T>G (NM_001282548.2); c.215+16011T>G (NM_001282545.2); c.364+11247T>G (NM_001282549.2); short protein forms L275*, L256*.
Identifiers: ClinVar variation 3988194 (VCV003988194.1).
Genomic context (GRCh38, chr2:214,781,050, plus strand): 5'-TTCCTGCTCTTAGTGTCTGGAGACTCTATTTGCTCAGCCAATGGTAAAGAGACTTCAGTT[A>C]AACTTCCAAAACATTCAGATTCTGTCAAGGAGCCACTTGCTAGTAAGTCTATTTCACCAT-3'